The following is an entry in ClinVar:

NM_004064.5(CDKN1B):c.-80C>T

Gene: CDKN1B (cyclin dependent kinase inhibitor 1B; plus strand). Cytogenetic location: 12p13.1.
Variant type: single nucleotide variant.
Coding change: c.-80C>T on transcript NM_004064.5 (MANE Select); 80 bases upstream of the start codon, C replaced by T.
Molecular consequence: 5 prime UTR variant.
Genome position (GRCh38, 1-based): chr12:12,717,760, C>T. VCF-style: chr12-12717760-C-T. GRCh37 (hg19) VCF-style: chr12-12870694-C-T.
Identifiers: ClinVar variation 217125 (VCV000217125.11), dbSNP rs551236750, ClinGen allele CA352216.

ClinVar aggregate classification (germline): Conflicting classifications of pathogenicity. Review status: criteria provided, conflicting classifications (1 of 4 stars). 6 submissions from 6 submitters: Pathogenic (1); Uncertain significance (2); Benign (1). 2 of the submissions do not count toward it. Last evaluated 2024-03-06.

Conditions:
CDKN1B-related disorder. Also called: CDKN1B-related condition.
Primary hyperparathyroidism. Also called: Primary hyperparathyroidism (disease). Identifiers: MedGen C0221002, MONDO:0010837, HP:0008200.
Multiple endocrine neoplasia type 4. Also called: MULTIPLE ENDOCRINE NEOPLASIA, TYPE IV. Identifiers: Orphanet 276152, MedGen C1970712, MONDO:0012552, OMIM 610755.

Allele frequency attached by ClinVar (database versions not stated): TOPMed 0.00017; gnomAD 0.00021; 1000 Genomes Project 30x 0.00031; 1000 Genomes Project 0.00040.

Submissions (6):

Baylor Genetics
Classification: Uncertain significance for Multiple endocrine neoplasia type 4. Last evaluated: 2024-03-06. Review status: criteria provided, single submitter. Criteria: ACMG Guidelines, 2015. Collection method: clinical testing. Allele origin: unknown.

GeneDx
Classification: Uncertain significance. Last evaluated: 2024-02-05. Review status: criteria provided, single submitter. Criteria: GeneDx Variant Classification Process June 2021. Collection method: clinical testing. Allele origin: germline. Affected: yes.
Comment: Observed in a patient with primary hyperparathyroidism (PMID: 27038812); Published functional studies demonstrate significant reduction in transcriptional activity compared to wild-type (PMID: 27038812); Nucleotide is not conserved across species; This variant is associated with the following publications: (PMID: 35355569, 28824003, 27038812, 30476936)

Illumina Laboratory Services, Illumina
Classification: Benign for Multiple endocrine neoplasia type 4. Last evaluated: 2018-01-13. Review status: criteria provided, single submitter. Criteria: ICSL Variant Classification Criteria 13 December 2019. Collection method: clinical testing. Allele origin: germline.
Comment: This variant was observed in the ICSL laboratory as part of a predisposition screen in an ostensibly healthy population. It had not been previously curated by ICSL or reported in the Human Gene Mutation Database (HGMD: prior to June 1st, 2018), and was therefore a candidate for classification through an automated scoring system. Utilizing variant allele frequency, disease prevalence and penetrance estimates, and inheritance mode, an automated score was calculated to assess if this variant is too frequent to cause the disease. Based on the score and internal cut-off values, a variant classified as benign is not then subjected to further curation. The score for this variant resulted in a classification of benign for this disease.

Endocrine Unit 2, University Hospital of Pisa
Classification: Pathogenic for Primary hyperparathyroidism. Last evaluated: 2015-01-01. Review status: criteria provided, single submitter. Criteria: ACMG Guidelines, 2015. Collection method: research, in vitro. Allele origin: germline. Inheritance: Autosomal dominant inheritance. Affected: yes. Observed: 1 variant allele, 1 heterozygote.

PreventionGenetics, part of Exact Sciences
Classification: Likely benign for CDKN1B-related condition. Last evaluated: 2021-01-09. Review status: no assertion criteria provided. Collection method: clinical testing. Allele origin: germline. Not counted in ClinVar's aggregate classification.
Comment: This variant is classified as likely benign based on ACMG/AMP sequence variant interpretation guidelines (Richards et al. 2015 PMID: 25741868, with internal and published modifications).

Gharavi Laboratory, Columbia University
Classification: Uncertain significance. Last evaluated: 2018-09-16. Review status: no assertion criteria provided. Criteria: ACMG Guidelines, 2015. Collection method: research. Allele origin: germline. Affected: no. Not counted in ClinVar's aggregate classification.